The following is an entry in ClinVar:

NM_001673.5(ASNS):c.651C>A (p.Asp217Glu)

Genes: ASNS (asparagine synthetase (glutamine-hydrolyzing); minus strand), CZ1P-ASNS (CZ1P-ASNS readthrough; minus strand). Cytogenetic location: 7q21.3.
Variant type: single nucleotide variant.
Coding change: c.651C>A on transcript NM_001673.5 (MANE Select); coding-DNA position 651, C replaced by A.
Protein change: p.Asp217Glu; replaces aspartic acid 217 with glutamic acid.
Molecular consequence: missense variant. On other transcripts: non-coding transcript variant (1).
Genome position (GRCh38, 1-based): chr7:97,859,235, G>T on the plus strand (C>A on the coding strand, the complement: ASNS is on the minus strand). VCF-style: chr7-97859235-G-T. GRCh37 (hg19) VCF-style: chr7-97488547-G-T.
Other names: c.588C>A, p.Asp196Glu (NM_001178075.2); c.402C>A, p.Asp134Glu (NM_001178076.2, NM_001178077.1); c.651C>A, p.Asp217Glu (NM_001352496.2, NM_133436.3, NM_183356.4); short protein forms D134E, D196E, D217E.
Identifiers: ClinVar variation 1365859 (VCV001365859.7), dbSNP rs1397669801, ClinGen allele CA368269359.

ClinVar aggregate classification (germline): Uncertain significance (1 of 4 stars; one submission).

Allele frequency attached by ClinVar (database versions not stated): gnomAD exomes below 0.00001.

Submission:

Labcorp Genetics (formerly Invitae), Labcorp
Classification: Uncertain significance. Last evaluated: 2023-10-03. Review status: criteria provided, single submitter. Criteria: Invitae Variant Classification Sherloc (09022015). Collection method: clinical testing. Allele origin: germline.
Comment: This sequence change replaces aspartic acid, which is acidic and polar, with glutamic acid, which is acidic and polar, at codon 217 of the ASNS protein (p.Asp217Glu). This variant is present in population databases (no rsID available, gnomAD 0.003%). This variant has not been reported in the literature in individuals affected with ASNS-related conditions. ClinVar contains an entry for this variant (Variation ID: 1365859). Advanced modeling of protein sequence and biophysical properties (such as structural, functional, and spatial information, amino acid conservation, physicochemical variation, residue mobility, and thermodynamic stability) performed at Invitae indicates that this missense variant is not expected to disrupt ASNS protein function. In summary, the available evidence is currently insufficient to determine the role of this variant in disease. Therefore, it has been classified as a Variant of Uncertain Significance.